The following is an entry in ClinVar:

NM_001172509.2(SATB2):c.1544G>A (p.Gly515Asp)

Gene: SATB2 (SATB homeobox 2; minus strand). Cytogenetic location: 2q33.1.
Variant type: single nucleotide variant.
Coding change: c.1544G>A on transcript NM_001172509.2 (MANE Select); coding-DNA position 1544, G replaced by A.
Protein change: p.Gly515Asp; replaces glycine 515 with aspartic acid.
Molecular consequence: missense variant.
Genome position (GRCh38, 1-based): chr2:199,308,956, C>T on the plus strand (G>A on the coding strand, the complement: SATB2 is on the minus strand). VCF-style: chr2-199308956-C-T. GRCh37 (hg19) VCF-style: chr2-200173679-C-T.
Other names: c.1544G>A, p.Gly515Asp (NM_001172517.1, NM_015265.4); short protein forms G515D.
Identifiers: ClinVar variation 1338898 (VCV001338898.3), dbSNP rs2105769270, ClinGen allele CA350384691.

ClinVar aggregate classification (germline): Pathogenic/Likely pathogenic. Review status: criteria provided, multiple submitters, no conflicts (2 of 4 stars). 2 submissions from 2 submitters: Pathogenic (1); Likely pathogenic (1). Last evaluated 2023-04-06.

Conditions:
Chromosome 2q32-q33 deletion syndrome (GLASS). Also called: Glass syndrome; 2q33.1 deletion syndrome. Identifiers: Orphanet 251019, MedGen C2676739, MONDO:0012864, OMIM 612313.

Submissions (2):

Laboratoire de Génétique Moléculaire, CHU Bordeaux
Classification: Pathogenic for Chromosome 2q32-q33 deletion syndrome. Last evaluated: 2023-04-06. Review status: criteria provided, single submitter. Criteria: ACMG Guidelines, 2015. Collection method: clinical testing. Allele origin: germline. Affected: yes.

GeneDx
Classification: Likely pathogenic. Last evaluated: 2022-01-28. Review status: criteria provided, single submitter. Criteria: GeneDx Variant Classification Process June 2021. Collection method: clinical testing. Allele origin: germline. Affected: yes.
Comment: Not observed at significant frequency in large population cohorts (gnomAD); In silico analysis supports that this missense variant has a deleterious effect on protein structure/function; Has not been previously published as pathogenic or benign to our knowledge